The following is an entry in ClinVar:

ClinVar aggregate classification (germline): Conflicting classifications of pathogenicity. Review status: criteria provided, conflicting classifications (1 of 4 stars). 5 submissions from 5 submitters: Likely pathogenic (2); Uncertain significance (2). 1 of the submissions does not count toward it. Last evaluated 2025-07-03.

Conditions:
Usher syndrome type 2A. Also called: RETINAL DISEASE IN USHER SYNDROME TYPE IIA, MODIFIER OF; USHER SYNDROME, TYPE IIA. Identifiers: Orphanet 231178, Orphanet 886, MedGen C1848634, MONDO:0010169, OMIM 276901.
Retinitis pigmentosa 39 (RP39). Identifiers: Orphanet 791, MedGen C3151138, MONDO:0013436, OMIM 613809.
USH2A-related disorder. Also called: USH2A-related disorders; USH2A-related condition. Identifiers: MedGen CN239332.

Allele frequency attached by ClinVar (database versions not stated): gnomAD exomes below 0.00001.
gnomAD v4.1: 2 of 1,612,304 alleles (0.00012%); highest among the groups gnomAD compares: East Asian, 0.0022%; no homozygotes.

Submissions (5):

Women's Health and Genetics/Laboratory Corporation of America, LabCorp
Classification: Uncertain significance. Last evaluated: 2025-07-03. Review status: criteria provided, single submitter. Criteria: LabCorp Variant Classification Summary - May 2015. Collection method: clinical testing. Allele origin: germline.
Comment: Variant summary: USH2A c.4307C>T (p.Pro1436Leu) results in a non-conservative amino acid change located in the Fibronectin type III domain (IPR003961) of the encoded protein sequence. Algorithms developed to predict the effect of missense changes on protein structure and function all suggest that this variant is likely to be disruptive. The variant allele was found at a frequency of 4e-06 in 250612 control chromosomes. c.4307C>T has been observed in individual(s) affected with Usher Syndrome. These data indicate that the variant may be associated with disease. To our knowledge, no experimental evidence demonstrating an impact on protein function has been reported. ClinVar contains an entry for this variant (Variation ID: 553700). Based on the evidence outlined above, the variant was classified as VUS-possibly pathogenic.

GeneDx
Classification: Uncertain significance. Last evaluated: 2024-04-18. Review status: criteria provided, single submitter. Criteria: GeneDx Variant Classification Process June 2021. Collection method: clinical testing. Allele origin: germline. Affected: yes.
Comment: Not observed at significant frequency in large population cohorts (gnomAD); In silico analysis supports that this missense variant has a deleterious effect on protein structure/function; This variant is associated with the following publications: (PMID: 25356976, 31964843)

Labcorp Genetics (formerly Invitae), Labcorp
Classification: Likely pathogenic. Last evaluated: 2023-09-21. Review status: criteria provided, single submitter. Criteria: Invitae Variant Classification Sherloc (09022015). Collection method: clinical testing. Allele origin: germline.
Comment: In summary, the currently available evidence indicates that the variant is pathogenic, but additional data are needed to prove that conclusively. Therefore, this variant has been classified as Likely Pathogenic. Advanced modeling of protein sequence and biophysical properties (such as structural, functional, and spatial information, amino acid conservation, physicochemical variation, residue mobility, and thermodynamic stability) performed at Invitae indicates that this missense variant is expected to disrupt USH2A protein function. ClinVar contains an entry for this variant (Variation ID: 553700). This missense change has been observed in individual(s) with retinitis pigmentosa (PMID: 25356976). In at least one individual the data is consistent with being in trans (on the opposite chromosome) from a pathogenic variant. This variant is present in population databases (no rsID available, gnomAD 0.006%). This sequence change replaces proline, which is neutral and non-polar, with leucine, which is neutral and non-polar, at codon 1436 of the USH2A protein (p.Pro1436Leu).

Blueprint Genetics
Classification: Likely pathogenic for USH2A-related disorders. Last evaluated: 2022-04-14. Review status: criteria provided, single submitter. Criteria: ACMG Guidelines, 2015. Collection method: clinical testing. Allele origin: germline. Affected: yes. Observed: 4 variant alleles.

Counsyl
Classification: Uncertain significance for Usher syndrome type 2A; Retinitis pigmentosa 39. Last evaluated: 2017-09-08. Review status: no assertion criteria provided. Collection method: clinical testing. Allele origin: unknown. Not counted in ClinVar's aggregate classification.

Literature cited by the submitters: PubMed 25356976 (cited by 3 submitters).

NM_206933.4(USH2A):c.4307C>T (p.Pro1436Leu)

Gene: USH2A (usherin; minus strand). Cytogenetic location: 1q41.
Variant type: single nucleotide variant.
Coding change: c.4307C>T on transcript NM_206933.4 (MANE Select); coding-DNA position 4307, C replaced by T.
Protein change: p.Pro1436Leu; replaces proline 1436 with leucine.
Molecular consequence: missense variant.
Genome position (GRCh38, 1-based): chr1:216,190,312, G>A on the plus strand (C>T on the coding strand, the complement: USH2A is on the minus strand). VCF-style: chr1-216190312-G-A. GRCh37 (hg19) VCF-style: chr1-216363654-G-A.
Other names: c.4307C>T, p.Pro1436Leu (NM_007123.6); short protein forms P1436L.
Identifiers: ClinVar variation 553700 (VCV000553700.11), dbSNP rs1230923403, ClinGen allele CA344865390.